The following is an entry in ClinVar:

ClinVar aggregate classification (germline): Uncertain significance. Review status: criteria provided, multiple submitters, no conflicts (2 of 4 stars). 2 submissions from 2 submitters: Uncertain significance (2). Last evaluated 2025-09-05.

Conditions:
Cardiovascular phenotype. Identifiers: MedGen CN230736.
Hereditary hemorrhagic telangiectasia (HHT). Also called: ORW DISEASE; Osler Weber Rendu syndrome; OSLER-RENDU-WEBER DISEASE; Osler hemorrhagic telangiectasia syndrome. Identifiers: Orphanet 774, MedGen C0039445, MONDO:0019180. Disease mechanism: loss of function.

Submissions (2):

Ambry Genetics
Classification: Uncertain significance for Cardiovascular phenotype. Last evaluated: 2025-09-05. Review status: criteria provided, single submitter. Criteria: Ambry Variant Classification Scheme 2023. Collection method: clinical testing. Allele origin: germline.
Comment: The c.201_206delCTTCCT variant (also known as p.F68_L69del) is located in coding exon 2 of the ENG gene. This variant results from an in-frame CTTCCT deletion at nucleotide positions 201 to 206. This results in the in-frame deletion of two residues (FL) at codon 68 to 69. This amino acid region ranges from well conserved to highly conserved in available vertebrate species. In addition, this variant is predicted to be deleterious by in silico analysis (Choi Y et al. PLoS ONE. 2012; 7(10):e46688). Based on the available evidence, the clinical significance of this variant remains unclear.

Labcorp Genetics (formerly Invitae), Labcorp
Classification: Uncertain significance for Hereditary hemorrhagic telangiectasia. Last evaluated: 2024-11-11. Review status: criteria provided, single submitter. Criteria: Invitae Variant Classification Sherloc (09022015). Collection method: clinical testing. Allele origin: germline.
Comment: This variant, c.201_206del, results in the deletion of 2 amino acid(s) of the ENG protein (p.Phe68_Leu69del), but otherwise preserves the integrity of the reading frame. This variant is not present in population databases (gnomAD no frequency). This variant has not been reported in the literature in individuals affected with ENG-related conditions. Experimental studies and prediction algorithms are not available or were not evaluated, and the functional significance of this variant is currently unknown. In summary, the available evidence is currently insufficient to determine the role of this variant in disease. Therefore, it has been classified as a Variant of Uncertain Significance.

NM_001114753.3(ENG):c.201_206del (p.Phe68_Leu69del)

Gene: ENG (endoglin; minus strand). Cytogenetic location: 9q34.11.
Variant type: Deletion.
Coding change: c.201_206del on transcript NM_001114753.3 (MANE Select); coding-DNA positions 201 to 206, 6 bases deleted (CTTCCT; older notation c.201_206delCTTCCT).
Protein change: p.Phe68_Leu69del.
Molecular consequence: 5 prime UTR variant (on NM_001278138.2).
Genome position (GRCh38, 1-based): chr9:127,843,107-127,843,112, AGGAAG deleted on the plus strand (CTTCCT on the coding strand, the reverse complement: ENG is on the minus strand); deleting any 6 consecutive bases within chr9:127,843,107-127,843,116 gives the same sequence; the c. name uses the placement nearest the transcript's 3' end. VCF-style (leftmost placement, unchanged base first): chr9-127843106-CAGGAAG-C. GRCh37 (hg19) VCF-style: chr9-130605385-CAGGAAG-C.
Other names: c.-346_-341del (NM_001278138.2); c.201_206del, p.Phe68_Leu69del (NM_001406715.1, NM_000118.4); c.201_206delCTTCCT (NM_001114753.1).
Identifiers: ClinVar variation 3725007 (VCV003725007.3).